The following is an entry in ClinVar:

NM_182916.3(TRNT1):c.64C>T (p.Leu22Phe)

Gene: TRNT1 (tRNA nucleotidyl transferase 1; plus strand). Cytogenetic location: 3p26.2.
Variant type: single nucleotide variant.
Coding change: c.64C>T on transcript NM_182916.3 (MANE Select); coding-DNA position 64, C replaced by T.
Protein change: p.Leu22Phe; replaces leucine 22 with phenylalanine.
Molecular consequence: missense variant. On other transcripts: non-coding transcript variant (11).
Genome position (GRCh38, 1-based): chr3:3,129,104, C>T. VCF-style: chr3-3129104-C-T. GRCh37 (hg19) VCF-style: chr3-3170788-C-T.
Other names: c.64C>T, p.Leu22Phe (NM_001302946.2, NM_001367321.1, NM_001367322.1 and 1 more transcripts); short protein forms L22F.
Identifiers: ClinVar variation 1375131 (VCV001375131.6), dbSNP rs965646183, ClinGen allele CA68723109.

ClinVar aggregate classification (germline): Uncertain significance (1 of 4 stars; one submission).

Conditions:
Congenital sideroblastic anemia-B-cell immunodeficiency-periodic fever-developmental delay syndrome. Also called: Sideroblastic anemia with B-cell immunodeficiency, periodic fevers, and developmental delay. Identifiers: Orphanet 369861, MedGen C4015172, MONDO:0014487, OMIM 616084.

Submission:

Labcorp Genetics (formerly Invitae), Labcorp
Classification: Uncertain significance for Congenital sideroblastic anemia-B-cell immunodeficiency-periodic fever-developmental delay syndrome. Last evaluated: 2024-10-22. Review status: criteria provided, single submitter. Criteria: Invitae Variant Classification Sherloc (09022015). Collection method: clinical testing. Allele origin: germline.
Comment: This sequence change replaces leucine, which is neutral and non-polar, with phenylalanine, which is neutral and non-polar, at codon 22 of the TRNT1 protein (p.Leu22Phe). This variant is not present in population databases (gnomAD no frequency). This variant has not been reported in the literature in individuals affected with TRNT1-related conditions. ClinVar contains an entry for this variant (Variation ID: 1375131). An algorithm developed to predict the effect of missense changes on protein structure and function (PolyPhen-2) suggests that this variant is likely to be tolerated. In summary, the available evidence is currently insufficient to determine the role of this variant in disease. Therefore, it has been classified as a Variant of Uncertain Significance.